The following is an entry in ClinVar:

NM_001184.4(ATR):c.4657A>G (p.Met1553Val)

Gene: ATR (ATR checkpoint kinase; minus strand). Cytogenetic location: 3q23.
Variant type: single nucleotide variant.
Coding change: c.4657A>G on transcript NM_001184.4 (MANE Select); coding-DNA position 4657, A replaced by G.
Protein change: p.Met1553Val; replaces methionine 1553 with valine.
Molecular consequence: missense variant.
Genome position (GRCh38, 1-based): chr3:142,512,455, T>C on the plus strand (A>G on the coding strand, the complement: ATR is on the minus strand). VCF-style: chr3-142512455-T-C. GRCh37 (hg19) VCF-style: chr3-142231297-T-C.
Other names: c.4465A>G, p.Met1489Val (NM_001354579.2); short protein forms M1489V, M1553V.
Identifiers: ClinVar variation 1742211 (VCV001742211.5), dbSNP rs747762243, ClinGen allele CA2649787.
Genomic context (GRCh38, chr3:142,512,455, plus strand): 5'-GATCAGATGCAATGTCTTGGGTATTTATGGTATGCTGATCGTCATGCTTTAGAACTGCCA[T>C]AATTTCTGCATAAACCTATGAGAATCATTTATAATTAATAATAATATCTATATAATACCA-3'
Protein context (NP_001175.2, residues 1543-1563): EDQQEVYAEI[Met1553Val]AVLKHDDQHT

ClinVar aggregate classification (germline): Uncertain significance. Review status: criteria provided, multiple submitters, no conflicts (2 of 4 stars). 2 submissions from 2 submitters: Uncertain significance (2). Last evaluated 2023-11-03.

Conditions:
Inborn genetic diseases. Identifiers: MedGen C0950123, MeSH D030342.

Allele frequency attached by ClinVar (database versions not stated): ExAC 0.00001; TOPMed 0.00003; gnomAD 0.00004.

Submissions (2):

Ambry Genetics
Classification: Uncertain significance for Inborn genetic diseases. Last evaluated: 2023-11-03. Review status: criteria provided, single submitter. Criteria: Ambry Variant Classification Scheme 2023. Collection method: clinical testing. Allele origin: germline.
Comment: The p.M1553V variant (also known as c.4657A>G), located in coding exon 27 of the ATR gene, results from an A to G substitution at nucleotide position 4657. The methionine at codon 1553 is replaced by valine, an amino acid with highly similar properties. This amino acid position is conserved. In addition, this alteration is predicted to be tolerated by in silico analysis. Since supporting evidence is limited at this time, the clinical significance of this alteration remains unclear.

Labcorp Genetics (formerly Invitae), Labcorp
Classification: Uncertain significance. Last evaluated: 2023-06-14. Review status: criteria provided, single submitter. Criteria: Invitae Variant Classification Sherloc (09022015). Collection method: clinical testing. Allele origin: germline.
Comment: This variant is present in population databases (rs747762243, gnomAD 0.01%). In summary, the available evidence is currently insufficient to determine the role of this variant in disease. Therefore, it has been classified as a Variant of Uncertain Significance. An algorithm developed to predict the effect of missense changes on protein structure and function (PolyPhen-2) suggests that this variant is likely to be tolerated. ClinVar contains an entry for this variant (Variation ID: 1742211). This variant has not been reported in the literature in individuals affected with ATR-related conditions. This sequence change replaces methionine, which is neutral and non-polar, with valine, which is neutral and non-polar, at codon 1553 of the ATR protein (p.Met1553Val).